The following is an entry in ClinVar:

ClinVar aggregate classification (germline): Uncertain significance. Review status: criteria provided, multiple submitters, no conflicts (2 of 4 stars). 2 submissions from 2 submitters: Uncertain significance (2). Last evaluated 2022-12-01.

Conditions:
Inborn genetic diseases. Identifiers: MedGen C0950123, MeSH D030342.
Nance-Horan syndrome (NHS). Identifiers: Orphanet 627, MedGen C0796085, MONDO:0010545, OMIM 302350.

Allele frequency attached by ClinVar (database versions not stated): TOPMed below 0.00001; ExAC 0.00001; gnomAD exomes 0.00002.
gnomAD v4.1: 16 of 1,211,690 alleles (0.0013%); highest among the groups gnomAD compares: Non-Finnish European, 0.0018%; no homozygotes.

Submissions (2):

Ambry Genetics
Classification: Uncertain significance for Inborn genetic diseases. Last evaluated: 2022-12-01. Review status: criteria provided, single submitter. Criteria: Ambry Variant Classification Scheme 2023. Collection method: clinical testing. Allele origin: germline.

Labcorp Genetics (formerly Invitae), Labcorp
Classification: Uncertain significance for Nance-Horan syndrome. Last evaluated: 2022-07-03. Review status: criteria provided, single submitter. Criteria: Invitae Variant Classification Sherloc (09022015). Collection method: clinical testing. Allele origin: germline.
Comment: In summary, the available evidence is currently insufficient to determine the role of this variant in disease. Therefore, it has been classified as a Variant of Uncertain Significance. Algorithms developed to predict the effect of missense changes on protein structure and function output the following: SIFT: "Tolerated"; PolyPhen-2: "Benign"; Align-GVGD: "Class C0". The tyrosine amino acid residue is found in multiple mammalian species, which suggests that this missense change does not adversely affect protein function. This variant has not been reported in the literature in individuals affected with NHS-related conditions. This variant is present in population databases (rs759386352, gnomAD 0.003%), including at least one homozygous and/or hemizygous individual. This sequence change replaces cysteine, which is neutral and slightly polar, with tyrosine, which is neutral and polar, at codon 1352 of the NHS protein (p.Cys1352Tyr).

NM_001291867.2(NHS):c.4118G>A (p.Cys1373Tyr)

Gene: NHS (NHS actin remodeling regulator; plus strand). Cytogenetic location: Xp22.13.
Variant type: single nucleotide variant.
Coding change: c.4118G>A on transcript NM_001291867.2 (MANE Select); coding-DNA position 4118, G replaced by A.
Protein change: p.Cys1373Tyr; replaces cysteine 1373 with tyrosine.
Molecular consequence: missense variant.
Genome position (GRCh38, 1-based): chrX:17,728,224, G>A. VCF-style: chrX-17728224-G-A. GRCh37 (hg19) VCF-style: chrX-17746344-G-A.
Other names: c.3587G>A, p.Cys1196Tyr (NM_001136024.4); c.3524G>A, p.Cys1175Tyr (NM_001291868.2); c.4055G>A, p.Cys1352Tyr (NM_198270.4); c.4055G>A (NM_198270.2); short protein forms C1175Y, C1196Y, C1373Y, C1352Y.
Identifiers: ClinVar variation 2158771 (VCV002158771.5), dbSNP rs759386352, ClinGen allele CA10358883.
Genomic context (GRCh38, chrX:17,728,224, plus strand): 5'-TGCCTGGTACTATCAGCTATGAATCGGAGATAACATCTGTAAATTCATTCCCTGAAAAAT[G>A]TTCCAAGCAGGAAAATATTGCTTCAGGTATTTCAGCCAAAAGTGCCTCTGATAACAGCAA-3'
Protein context (NP_001278796.1, residues 1363-1383): ITSVNSFPEK[Cys1373Tyr]SKQENIASGI